The following is an entry in ClinVar:

NM_006662.3(SRCAP):c.5300C>T (p.Thr1767Met)

Gene: SRCAP (Snf2 related CREBBP activator protein; plus strand). Cytogenetic location: 16p11.2.
Variant type: single nucleotide variant.
Coding change: c.5300C>T on transcript NM_006662.3 (MANE Select); coding-DNA position 5300, C replaced by T.
Protein change: p.Thr1767Met; replaces threonine 1767 with methionine.
Molecular consequence: missense variant.
Genome position (GRCh38, 1-based): chr16:30,724,724, C>T. VCF-style: chr16-30724724-C-T. GRCh37 (hg19) VCF-style: chr16-30736045-C-T.
Other names: short protein forms T1767M.
Identifiers: ClinVar variation 436856 (VCV000436856.16), dbSNP rs181491375, ClinGen allele CA8011941.

ClinVar aggregate classification (germline): Likely benign. Review status: criteria provided, multiple submitters, no conflicts (2 of 4 stars). 4 submissions from 4 submitters: Likely benign (3). 1 of the submissions does not count toward it. Last evaluated 2026-01-07.

Conditions:
SRCAP-related disorder. Also called: SRCAP-related condition.

Allele frequency attached by ClinVar (database versions not stated): gnomAD 0.00003; 1000 Genomes Project 30x 0.00016; 1000 Genomes Project 0.00020; ESP Exome Variant Server 0.00023; gnomAD exomes 0.00026; ExAC 0.00027.
gnomAD v4.1: 282 of 1,614,138 alleles (0.017%); highest among the groups gnomAD compares: Admixed American, 0.065%; 1 homozygote.

Submissions (4):

Labcorp Genetics (formerly Invitae), Labcorp
Classification: Likely benign. Last evaluated: 2026-01-07. Review status: criteria provided, single submitter. Criteria: Invitae Variant Classification Sherloc (09022015). Collection method: clinical testing. Allele origin: germline.

Women's Health and Genetics/Laboratory Corporation of America, LabCorp
Classification: Likely benign. Last evaluated: 2025-11-26. Review status: criteria provided, single submitter. Criteria: LabCorp Variant Classification Summary - May 2015. Collection method: clinical testing. Allele origin: germline.
Comment: Variant summary: SRCAP c.5300C>T (p.Thr1767Met) results in a non-conservative amino acid change in the encoded protein sequence. Algorithms developed to predict the effect of missense changes on protein structure and function are either unavailable or do not agree on the potential impact of this missense change. The variant allele was found at a frequency of 0.00026 in 249682 control chromosomes in the gnomAD database, predominantly in the latino subpopulation (27/34564 chromosomes) and including 1 homozygotes. Tthe allele frequency for a pathogenic variant in SRCAP expected to cause SRCAP-related diseases is unknown; however, these conditions are early onset and severe congenital developmental disorders. This indicates that this variant may not be disease-causing. To our knowledge, no occurrence of c.5300C>T in individuals affected with SRCAP-related conditions and no experimental evidence demonstrating its impact on protein function have been reported. ClinVar contains an entry for this variant (Variation ID: 436856). Based on the evidence outlined above, the variant was classified as likely benign.

Genetic Services Laboratory, University of Chicago
Classification: Likely benign. Last evaluated: 2017-01-11. Review status: criteria provided, single submitter. Criteria: ACMG Guidelines, 2015. Collection method: clinical testing. Allele origin: germline. Affected: no.

PreventionGenetics, part of Exact Sciences
Classification: Likely benign for SRCAP-related condition. Last evaluated: 2023-03-27. Review status: no assertion criteria provided. Collection method: clinical testing. Allele origin: germline. Not counted in ClinVar's aggregate classification.
Comment: This variant is classified as likely benign based on ACMG/AMP sequence variant interpretation guidelines (Richards et al. 2015 PMID: 25741868, with internal and published modifications).